The following is an entry in ClinVar:

ClinVar aggregate classification (germline): Likely pathogenic (1 of 4 stars; one submission).

Conditions:
Cardiovascular phenotype. Identifiers: MedGen CN230736.

Submission:

Ambry Genetics
Classification: Likely pathogenic for Cardiovascular phenotype. Last evaluated: 2025-08-21. Review status: criteria provided, single submitter. Criteria: Ambry Variant Classification Scheme 2023. Collection method: clinical testing. Allele origin: germline.
Comment: The c.24248delC variant, located in coding exon 99 of the TTN gene, results from a deletion of one nucleotide at nucleotide position 24248, causing a translational frameshift with a predicted alternate stop codon (p.P8083Lfs*5). This exon is located in the A-band region of the N2-B isoform of the titin protein and is constitutively expressed in TTN transcripts (percent spliced in or PSI 100%). This variant is considered to be rare based on population cohorts in the Genome Aggregation Database (gnomAD). This variant is expected to result in loss of function by premature protein truncation or nonsense-mediated mRNA decay. While truncating variants in TTN are present in 1-3% of the general population, truncating variants in the A-band are the most common cause of dilated cardiomyopathy (Herman DS et al. N. Engl. J. Med., 2012 Feb;366:619-28; Roberts AM et al. Sci Transl Med, 2015 Jan;7:270ra6). TTN truncating variants encoded in constitutive exons (PSI >90%) have been found to be significantly associated with DCM regardless of their position in titin (Schafer S et al. Nat. Genet., 2017 01;49:46-53; Akhtar MM et al. Circ Heart Fail, 2020 Oct;13:e006832; Massier M et al. Clin Genet, 2025 Jan). Based on the majority of available evidence to date, this variant is likely to be pathogenic.

NM_001267550.2(TTN):c.51443del (p.Pro17148fs)

Genes: TTN (titin; minus strand), TTN-AS1 (TTN antisense RNA 1; plus strand). Cytogenetic location: 2q31.2.
Variant type: Deletion.
Coding change: c.51443del on transcript NM_001267550.2 (MANE Select); coding-DNA position 51443, one base deleted (C; older notation c.51443delC).
Protein change: p.Pro17148fs; shifts the reading frame from proline 17148.
Molecular consequence: frameshift variant.
Genome position (GRCh38, 1-based): chr2:178,609,980, G deleted on the plus strand (C on the coding strand, the reverse complement: TTN is on the minus strand); the first of 5 consecutive G bases (chr2:178,609,980-178,609,984); deleting any one gives the same sequence. VCF-style (leftmost placement, unchanged base first): chr2-178609979-AG-A. GRCh37 (hg19) VCF-style: chr2-179474706-AG-A.
Other names: c.24248del, p.Pro8083fs (NM_003319.4); c.43739del, p.Pro14580fs (NM_133378.4); c.24623del, p.Pro8208fs (NM_133432.3); c.24824del, p.Pro8275fs (NM_133437.4); c.46520del, p.Pro15507fs (NM_001256850.1); c.24248delC (NM_003319.4); short protein forms P8083fs, P8275fs, P8208fs, P15507fs, P14580fs, P17148fs.
Identifiers: ClinVar variation 4193767 (VCV004193767.1).